The following is an entry in ClinVar:

NM_001164508.2(NEB):c.17023C>G (p.Arg5675Gly)

Gene: NEB (nebulin; minus strand). Cytogenetic location: 2q23.3.
Variant type: single nucleotide variant.
Coding change: c.17023C>G on transcript NM_001164508.2 (MANE Select); coding-DNA position 17023, C replaced by G.
Protein change: p.Arg5675Gly; replaces arginine 5675 with glycine.
Molecular consequence: missense variant.
Genome position (GRCh38, 1-based): chr2:151,570,592, G>C on the plus strand (C>G on the coding strand, the complement: NEB is on the minus strand). VCF-style: chr2-151570592-G-C. GRCh37 (hg19) VCF-style: chr2-152427106-G-C.
Other names: c.17023C>G, p.Arg5675Gly (NM_001164507.2, NM_001271208.2); c.11920C>G, p.Arg3974Gly (NM_004543.5); c.11920C>G (NM_004543.4); short protein forms R5675G, R3974G.
Identifiers: ClinVar variation 639453 (VCV000639453.13), dbSNP rs547231033, ClinGen allele CA348808876.

ClinVar aggregate classification (germline): Uncertain significance. Review status: criteria provided, multiple submitters, no conflicts (2 of 4 stars). 3 submissions from 3 submitters: Uncertain significance (2). 1 of the submissions does not count toward it. Last evaluated 2024-12-16.

Conditions:
Inborn genetic diseases. Identifiers: MedGen C0950123, MeSH D030342.
Nemaline myopathy 2 (NEM2). Also called: Nemaline myopathy 2, autosomal recessive. Identifiers: MedGen C1850569, MONDO:0009725, OMIM 256030.

gnomAD v4.1: 14 of 1,593,398 alleles (0.00088%); highest among the groups gnomAD compares: Non-Finnish European, 0.0012%; no homozygotes.

Submissions (3):

Ambry Genetics
Classification: Uncertain significance for Inborn genetic diseases. Last evaluated: 2024-12-16. Review status: criteria provided, single submitter. Criteria: Ambry Variant Classification Scheme 2023. Collection method: clinical testing. Allele origin: germline.

Labcorp Genetics (formerly Invitae), Labcorp
Classification: Uncertain significance for Nemaline myopathy 2. Last evaluated: 2018-07-29. Review status: criteria provided, single submitter. Criteria: Invitae Variant Classification Sherloc (09022015). Collection method: clinical testing. Allele origin: germline.
Comment: In summary, the available evidence is currently insufficient to determine the role of this variant in disease. Therefore, it has been classified as a Variant of Uncertain Significance. Algorithms developed to predict the effect of sequence changes on RNA splicing suggest that this variant may create or strengthen a splice site, but this prediction has not been confirmed by published transcriptional studies. Algorithms developed to predict the effect of missense changes on protein structure and function are either unavailable or do not agree on the potential impact of this missense change (SIFT: "Deleterious"; PolyPhen-2: "Not Available"; Align-GVGD: "Class C0"). This variant has not been reported in the literature in individuals with NEB-related disease. This variant is not present in population databases (ExAC no frequency). This sequence change replaces arginine with glycine at codon 5675 of the NEB protein (p.Arg5675Gly). The arginine residue is moderately conserved and there is a moderate physicochemical difference between arginine and glycine.

Natera, Inc.
Classification: Uncertain significance for Nemaline myopathy type 2. Last evaluated: 2021-02-01. Review status: no assertion criteria provided. Collection method: clinical testing. Allele origin: germline. Not counted in ClinVar's aggregate classification.